The following is an entry in ClinVar:

NM_001035.3(RYR2):c.4984T>A (p.Ser1662Thr)

Gene: RYR2 (ryanodine receptor 2; plus strand). Cytogenetic location: 1q43.
Variant type: single nucleotide variant.
Coding change: c.4984T>A on transcript NM_001035.3 (MANE Select); coding-DNA position 4984, T replaced by A.
Protein change: p.Ser1662Thr; replaces serine 1662 with threonine.
Molecular consequence: missense variant.
Genome position (GRCh38, 1-based): chr1:237,614,112, T>A. VCF-style: chr1-237614112-T-A. GRCh37 (hg19) VCF-style: chr1-237777412-T-A.
Other names: short protein forms S1662T.
Identifiers: ClinVar variation 4863699 (VCV004863699.1).

ClinVar aggregate classification (germline): Uncertain significance (1 of 4 stars; one submission).

Conditions:
Cardiovascular phenotype. Identifiers: MedGen CN230736.

Submission:

Ambry Genetics
Classification: Uncertain significance for Cardiovascular phenotype. Last evaluated: 2026-03-15. Review status: criteria provided, single submitter. Criteria: Ambry Variant Classification Scheme 2023. Collection method: clinical testing. Allele origin: germline.
Comment: The p.S1662T variant (also known as c.4984T>A), located in coding exon 37 of the RYR2 gene, results from a T to A substitution at nucleotide position 4984. The serine at codon 1662 is replaced by threonine, an amino acid with similar properties. This amino acid position is conserved. In addition, this alteration is predicted to be deleterious by in silico analysis. Based on the available evidence, the clinical significance of this variant remains unclear.